The following is an entry in ClinVar:

NM_020975.6(RET):c.2284+4C>T

Gene: RET (ret proto-oncogene; plus strand). Cytogenetic location: 10q11.21.
Variant type: single nucleotide variant.
Coding change: c.2284+4C>T on transcript NM_020975.6 (MANE Select); 4 bases into the intron after coding-DNA position 2284, C replaced by T.
Molecular consequence: intron variant.
Genome position (GRCh38, 1-based): chr10:43,116,735, C>T. VCF-style: chr10-43116735-C-T. GRCh37 (hg19) VCF-style: chr10-43612183-C-T.
Other names: c.1252+4C>T (NM_001406787.1); c.1267+4C>T (NM_001406785.1); c.2155+4C>T (NM_001406764.1, NM_001406762.1, NM_001406761.1); c.1888+4C>T (NM_001406769.1, NM_001406772.1); c.1846+4C>T (NM_001406773.1, NM_001406771.1); c.1387+4C>T (NM_001406782.1, NM_001406780.1, NM_001406779.1 and 1 more transcripts); c.2284+4C>T (NM_020630.7, NM_001406743.1, NM_001406744.1 and 3 more transcripts); c.2149+4C>T (NM_001406765.1, NM_001406763.1); and 10 more.
Identifiers: ClinVar variation 1913782 (VCV001913782.7), dbSNP rs1838080320, ClinGen allele CA2580081510.

ClinVar aggregate classification (germline): Uncertain significance. Review status: criteria provided, multiple submitters, no conflicts (2 of 4 stars). 3 submissions from 3 submitters: Uncertain significance (3). Last evaluated 2024-11-25.

Conditions:
Hereditary cancer-predisposing syndrome. Also called: Neoplastic Syndromes, Hereditary; Hereditary Cancer Syndrome; Tumor predisposition; Hereditary neoplastic syndrome. Identifiers: Orphanet 140162, MedGen C0027672, MeSH D009386, MONDO:0015356.
Multiple endocrine neoplasia, type 2 (MEN2). Identifiers: Orphanet 653, MedGen C4048306, MONDO:0019003. Disease mechanism: gain of function.

gnomAD v4.1: 2 of 1,613,244 alleles (0.00012%); highest among the groups gnomAD compares: Middle Eastern, 0.018%; no homozygotes.

Submissions (3):

Ambry Genetics
Classification: Uncertain significance for Hereditary cancer-predisposing syndrome. Last evaluated: 2024-11-25. Review status: criteria provided, single submitter. Criteria: Ambry Variant Classification Scheme 2023. Collection method: clinical testing. Allele origin: germline.
Comment: The c.2284+4C>T intronic variant results from a C to T substitution 4 nucleotides after coding exon 12 in the RET gene. This nucleotide position is well conserved in available vertebrate species. In silico splice site analysis predicts that this alteration will not have any significant effect on splicing. Based on the available evidence, the clinical significance of this variant remains unclear.

All of Us Research Program, National Institutes of Health
Classification: Uncertain significance for Multiple endocrine neoplasia, type 2. Last evaluated: 2023-08-15. Review status: criteria provided, single submitter. Criteria: ACMG Guidelines, 2015. Collection method: clinical testing. Allele origin: germline. Inheritance: Autosomal dominant inheritance. Observed: 1 variant allele, 1 heterozygote.
Comment: This variant causes a C to T nucleotide substitution at the +4 position of intron 12 of the RET gene. To our knowledge, functional studies have not been reported for this variant. This variant has not been reported in individuals affected with RET-related disorders in the literature. This variant has not been identified in the general population by the Genome Aggregation Database (gnomAD). The available evidence is insufficient to determine the role of this variant in disease conclusively. Therefore, this variant is classified as a Variant of Uncertain Significance.

This study involves interpretation of variants in research participants for the purpose of population health screening. Participant phenotype was not available at the time of variant classification. Additional details can be found in publication PMID: 35346344, PMCID: PMC8962531

Labcorp Genetics (formerly Invitae), Labcorp
Classification: Uncertain significance for Multiple endocrine neoplasia, type 2. Last evaluated: 2022-02-25. Review status: criteria provided, single submitter. Criteria: Invitae Variant Classification Sherloc (09022015). Collection method: clinical testing. Allele origin: germline.
Comment: This sequence change falls in intron 12 of the RET gene. It does not directly change the encoded amino acid sequence of the RET protein. It affects a nucleotide within the consensus splice site. This variant is not present in population databases (gnomAD no frequency). This variant has not been reported in the literature in individuals affected with RET-related conditions. Variants that disrupt the consensus splice site are a relatively common cause of aberrant splicing (PMID: 17576681, 9536098). Algorithms developed to predict the effect of sequence changes on RNA splicing suggest that this variant is not likely to affect RNA splicing. In summary, the available evidence is currently insufficient to determine the role of this variant in disease. Therefore, it has been classified as a Variant of Uncertain Significance.

Literature cited by the submitters: PubMed 17576681 (cited by Labcorp Genetics (formerly Invitae), Labcorp); PubMed 9536098 (cited by Labcorp Genetics (formerly Invitae), Labcorp).